The following is an entry in ClinVar:

ClinVar aggregate classification (germline): Likely pathogenic (1 of 4 stars; one submission).

Conditions:
Developmental and epileptic encephalopathy, 1 (DEE1). Also called: INFANTILE SPASM SYNDROME, X-LINKED 1; X-linked infantile spasms; West's syndrome; Tonic spasms with clustering, arrest of psychomotor development and hypsarrhythmia on EEG; X-Linked Infantile Spasm Syndrome; OHTAHARA SYNDROME, X-LINKED. Identifiers: MedGen C3463992, MONDO:0010632, OMIM 308350. Disease mechanism: loss of function.

Submission:

Laboratory of Medical Genetics, National & Kapodistrian University of Athens
Classification: Likely pathogenic for Developmental and epileptic encephalopathy, 1. Last evaluated: 2022-12-16. Review status: criteria provided, single submitter. Criteria: ACMG Guidelines, 2015. Collection method: clinical testing. Allele origin: de novo. Affected: yes.
Comment: PVS1, PM2

NM_139058.3(ARX):c.1A>T (p.Met1Leu)

Gene: ARX (aristaless related homeobox; minus strand). Cytogenetic location: Xp21.3.
Variant type: single nucleotide variant.
Coding change: c.1A>T on transcript NM_139058.3 (MANE Select); coding-DNA position 1, A replaced by T.
Protein change: p.Met1Leu; changes the start codon (methionine 1).
Molecular consequence: missense variant, initiator codon variant.
Genome position (GRCh38, 1-based): chrX:25,015,737, T>A on the plus strand (A>T on the coding strand, the complement: ARX is on the minus strand). VCF-style: chrX-25015737-T-A. GRCh37 (hg19) VCF-style: chrX-25033854-T-A.
Other names: short protein forms M1L.
Identifiers: ClinVar variation 2572635 (VCV002572635.2), dbSNP rs2519109392, ClinGen allele CA412614123.